The following is an entry in ClinVar:

NM_002334.4(LRP4):c.4461G>A (p.Trp1487Ter)

Genes: LRP4 (LDL receptor related protein 4; minus strand), LRP4-AS1 (LRP4 antisense RNA 1; plus strand). Cytogenetic location: 11p11.2.
Variant type: single nucleotide variant.
Coding change: c.4461G>A on transcript NM_002334.4 (MANE Select); coding-DNA position 4461, G replaced by A.
Protein change: p.Trp1487Ter; replaces tryptophan 1487 with a stop codon.
Molecular consequence: nonsense. On other transcripts: non-coding transcript variant (1).
Genome position (GRCh38, 1-based): chr11:46,873,222, C>T on the plus strand (G>A on the coding strand, the complement: LRP4 is on the minus strand). VCF-style: chr11-46873222-C-T. GRCh37 (hg19) VCF-style: chr11-46894773-C-T.
Other names: short protein forms W1487*.
Identifiers: ClinVar variation 4850123 (VCV004850123.1).

ClinVar aggregate classification (germline): Likely pathogenic (1 of 4 stars; one submission).

Conditions:
Autosomal recessive LRP4-related disorders.

Submission:

Variantyx, Inc.
Classification: Likely pathogenic for Autosomal recessive LRP4-related disorders. Last evaluated: 2025-04-16. Review status: criteria provided, single submitter. Criteria: Variantyx Assertion Criteria 2022. Collection method: clinical testing. Allele origin: germline. Inheritance: Autosomal recessive inheritance. Affected: no.
Comment: This is a nonsense variant in the LRP4 gene (OMIM: 604270). Pathogenic variants in this gene have been associated with autosomal recessive LRP4-related disorders. This variant introduces a premature termination codon in exon 30 out of 38 and is expected to result in loss of function, which is a known disease mechanism for LRP4 in these disorders (PMID: 33799485) (PVS1). This variant is absent from control populations (PM2) and it has not been reported in individuals with LRP4-related disorders in the databases available for review. Based on the current evidence, this variant is classified as likely pathogenic for autosomal recessive LRP4-related disorders.

Literature cited by the submitters: PubMed 3799485.